The following is an entry in ClinVar:

NM_001009944.3(PKD1):c.11947del (p.Gln3982_Leu3983insTer)

Gene: PKD1 (polycystin 1, transient receptor potential channel interacting; minus strand). Cytogenetic location: 16p13.3.
Variant type: Deletion.
Coding change: c.11947del on transcript NM_001009944.3 (MANE Select); coding-DNA position 11947, one base deleted (C; older notation c.11947delC).
Protein change: p.Gln3982_Leu3983insTer.
Molecular consequence: nonsense.
Genome position (GRCh38, 1-based): chr16:2,090,940, G deleted on the plus strand (C on the coding strand, the reverse complement: PKD1 is on the minus strand). VCF-style (leftmost placement, unchanged base first): chr16-2090939-AG-A. GRCh37 (hg19) VCF-style: chr16-2140940-AG-A.
Other names: p.Leu3983*; c.11944del, p.Gln3981_Leu3982insTer (NM_000296.4).
Identifiers: ClinVar variation 3381134 (VCV003381134.1).

ClinVar aggregate classification (germline): Likely pathogenic (1 of 4 stars; one submission).

Submission:

Mayo Clinic Laboratories, Mayo Clinic
Classification: Likely pathogenic. Last evaluated: 2023-11-02. Review status: criteria provided, single submitter. Criteria: ACMG Guidelines, 2015. Collection method: clinical testing. Allele origin: germline. Observed: 1 variant allele.
Comment: PM2, PVS1